The following is an entry in ClinVar:

ClinVar aggregate classification (germline): Uncertain significance (1 of 4 stars; one submission).

Submission:

GeneDx
Classification: Uncertain significance. Last evaluated: 2025-01-10. Review status: criteria provided, single submitter. Criteria: GeneDx Variant Classification Process June 2021. Collection method: clinical testing. Allele origin: germline. Affected: yes.
Comment: Not observed at significant frequency in large population cohorts (gnomAD); In silico analysis supports that this missense variant has a deleterious effect on protein structure/function; Has not been previously published as pathogenic or benign to our knowledge

NM_001378452.1(ITPR1):c.1537C>G (p.Gln513Glu)

Gene: ITPR1 (inositol 1,4,5-trisphosphate receptor type 1; plus strand). Cytogenetic location: 3p26.1.
Variant type: single nucleotide variant.
Coding change: c.1537C>G on transcript NM_001378452.1 (MANE Select); coding-DNA position 1537, C replaced by G.
Protein change: p.Gln513Glu; replaces glutamine 513 with glutamic acid.
Molecular consequence: missense variant.
Genome position (GRCh38, 1-based): chr3:4,663,189, C>G. VCF-style: chr3-4663189-C-G. GRCh37 (hg19) VCF-style: chr3-4704873-C-G.
Other names: c.1537C>G, p.Gln513Glu (NM_001099952.4); c.1492C>G, p.Gln498Glu (NM_001168272.2, NM_002222.7); short protein forms Q498E, Q513E.
Identifiers: ClinVar variation 4056872 (VCV004056872.1).